The following is an entry in ClinVar:

ClinVar aggregate classification (germline): Uncertain significance (1 of 4 stars; one submission).

Submission:

GeneDx
Classification: Uncertain significance. Last evaluated: 2023-04-12. Review status: criteria provided, single submitter. Criteria: GeneDx Variant Classification Process June 2021. Collection method: clinical testing. Allele origin: germline. Affected: yes.
Comment: Not observed at significant frequency in large population cohorts (gnomAD); In silico analysis supports that this missense variant has a deleterious effect on protein structure/function; Has not been previously published as pathogenic or benign to our knowledge; This variant is associated with the following publications: (PMID: 25486365)

NM_001042492.3(NF1):c.6950G>T (p.Trp2317Leu)

Gene: NF1 (neurofibromin 1; plus strand). Cytogenetic location: 17q11.2.
Variant type: single nucleotide variant.
Coding change: c.6950G>T on transcript NM_001042492.3 (MANE Select); coding-DNA position 6950, G replaced by T.
Protein change: p.Trp2317Leu; replaces tryptophan 2317 with leucine.
Molecular consequence: missense variant.
Genome position (GRCh38, 1-based): chr17:31,340,533, G>T. VCF-style: chr17-31340533-G-T. GRCh37 (hg19) VCF-style: chr17-29667551-G-T.
Other names: c.6887G>T, p.Trp2296Leu (NM_000267.4); short protein forms W2296L, W2317L.
Identifiers: ClinVar variation 3343057 (VCV003343057.1).